The following is an entry in ClinVar:

ClinVar aggregate classification (germline): Uncertain significance. Review status: criteria provided, multiple submitters, no conflicts (2 of 4 stars). 2 submissions from 2 submitters: Uncertain significance (2). Last evaluated 2026-07-22.

Conditions:
Gorlin syndrome. Also called: Basal cell nevus syndrome; Nevoid Basal Cell Carcinoma Syndrome. Identifiers: Orphanet 377, MedGen C0004779, MONDO:0007187.
Hereditary cancer-predisposing syndrome. Also called: Tumor predisposition; Hereditary neoplastic syndrome; Neoplastic Syndromes, Hereditary; Hereditary Cancer Syndrome. Identifiers: Orphanet 140162, MedGen C0027672, MeSH D009386, MONDO:0015356.

gnomAD v4.1: 1 of 1,612,548 alleles (0.000062%); highest among the groups gnomAD compares: Non-Finnish European, 0.000085%; no homozygotes.

Submissions (2):

Ambry Genetics
Classification: Uncertain significance for Hereditary cancer-predisposing syndrome. Last evaluated: 2026-07-22. Review status: criteria provided, single submitter. Criteria: Ambry Variant Classification Scheme 2023. Collection method: clinical testing. Allele origin: germline.
Comment: The p.P76T variant (also known as c.226C>A), located in coding exon 2 of the PTCH1 gene, results from a C to A substitution at nucleotide position 226. The proline at codon 76 is replaced by threonine, an amino acid with highly similar properties. This amino acid position is highly conserved in available vertebrate species. In addition, this alteration is predicted to be deleterious by in silico analysis. Based on the available evidence, the clinical significance of this variant remains unclear.

Labcorp Genetics (formerly Invitae), Labcorp
Classification: Uncertain significance for Gorlin syndrome. Last evaluated: 2024-04-08. Review status: criteria provided, single submitter. Criteria: Invitae Variant Classification Sherloc (09022015). Collection method: clinical testing. Allele origin: germline.
Comment: This sequence change replaces proline, which is neutral and non-polar, with threonine, which is neutral and polar, at codon 76 of the PTCH1 protein (p.Pro76Thr). This variant is not present in population databases (gnomAD no frequency). This variant has not been reported in the literature in individuals affected with PTCH1-related conditions. ClinVar contains an entry for this variant (Variation ID: 852540). Advanced modeling of protein sequence and biophysical properties (such as structural, functional, and spatial information, amino acid conservation, physicochemical variation, residue mobility, and thermodynamic stability) performed at Invitae indicates that this missense variant is not expected to disrupt PTCH1 protein function with a negative predictive value of 95%. In summary, the available evidence is currently insufficient to determine the role of this variant in disease. Therefore, it has been classified as a Variant of Uncertain Significance.

NM_000264.5(PTCH1):c.226C>A (p.Pro76Thr)

Gene: PTCH1 (patched 1; minus strand). Cytogenetic location: 9q22.32.
Variant type: single nucleotide variant.
Coding change: c.226C>A on transcript NM_000264.5 (MANE Select); coding-DNA position 226, C replaced by A.
Protein change: p.Pro76Thr; replaces proline 76 with threonine.
Molecular consequence: missense variant. On other transcripts: 5 prime UTR variant (4), non-coding transcript variant (1).
Genome position (GRCh38, 1-based): chr9:95,506,575, G>T on the plus strand (C>A on the coding strand, the complement: PTCH1 is on the minus strand). VCF-style: chr9-95506575-G-T. GRCh37 (hg19) VCF-style: chr9-98268857-G-T.
Other names: c.28C>A, p.Pro10Thr (NM_001083602.3, NM_001354919.2); c.223C>A, p.Pro75Thr (NM_001083603.3); c.-228C>A (NM_001083604.3, NM_001083605.3, NM_001083606.3 and 1 more transcripts); c.226C>A, p.Pro76Thr (NM_001354918.2); short protein forms P76T, P10T, P75T.
Identifiers: ClinVar variation 852540 (VCV000852540.14), dbSNP rs997156828, ClinGen allele CA374120681.